The following is an entry in ClinVar:

ClinVar aggregate classification (germline): Conflicting classifications of pathogenicity. Review status: criteria provided, conflicting classifications (1 of 4 stars). 2 submissions from 2 submitters: Uncertain significance (1); Likely benign (1). Last evaluated 2022-02-09.

Conditions:
Kleefstra syndrome 1 (KLEFS1). Identifiers: Orphanet 261494, MedGen C0795833, MONDO:0027407, OMIM 610253.

Submissions (2):

Labcorp Genetics (formerly Invitae), Labcorp
Classification: Likely benign for Kleefstra syndrome 1. Last evaluated: 2022-02-09. Review status: criteria provided, single submitter. Criteria: Invitae Variant Classification Sherloc (09022015). Collection method: clinical testing. Allele origin: germline.

GeneDx
Classification: Uncertain significance. Last evaluated: 2021-10-29. Review status: criteria provided, single submitter. Criteria: GeneDx Variant Classification Process June 2021. Collection method: clinical testing. Allele origin: germline. Affected: yes.
Comment: Not observed at significant frequency in large population cohorts (gnomAD); In silico analysis supports a deleterious effect on splicing; Has not been previously published as pathogenic or benign to our knowledge

NM_024757.5(EHMT1):c.2713-3C>G

Gene: EHMT1 (euchromatic histone lysine methyltransferase 1; plus strand). Cytogenetic location: 9q34.3.
Variant type: single nucleotide variant.
Coding change: c.2713-3C>G on transcript NM_024757.5 (MANE Select); 3 bases into the intron before coding-DNA position 2713, C replaced by G.
Molecular consequence: intron variant.
Genome position (GRCh38, 1-based): chr9:137,811,458, C>G. VCF-style: chr9-137811458-C-G. GRCh37 (hg19) VCF-style: chr9-140705910-C-G.
Other names: c.2692-3C>G (NM_001354263.2).
Identifiers: ClinVar variation 1604716 (VCV001604716.10), dbSNP rs2137670642, ClinGen allele CA2573144344.
Genomic context (GRCh38, chr9:137,811,458, plus strand): 5'-CCCAGCCCCAGCACTGTGAGCCAGCAGGAAGCCTGCACTGAGCTCTGGCTTGTGTCTGTT[C>G]AGGAGGAGAACATTTGCCTGCACTGGGCGGCGTTCTCCGGCTGCGTGGACATAGCCGAGA-3'